The following is an entry in ClinVar:

NM_005245.4(FAT1):c.12466G>A (p.Glu4156Lys)

Gene: FAT1 (FAT atypical cadherin 1; minus strand). Cytogenetic location: 4q35.2.
Variant type: single nucleotide variant.
Coding change: c.12466G>A on transcript NM_005245.4 (MANE Select); coding-DNA position 12466, G replaced by A.
Protein change: p.Glu4156Lys; replaces glutamic acid 4156 with lysine.
Molecular consequence: missense variant.
Genome position (GRCh38, 1-based): chr4:186,597,074, C>T on the plus strand (G>A on the coding strand, the complement: FAT1 is on the minus strand). VCF-style: chr4-186597074-C-T. GRCh37 (hg19) VCF-style: chr4-187518228-C-T.
Other names: c.12466G>A (NM_005245.3); short protein forms E4156K.
Identifiers: ClinVar variation 2175285 (VCV002175285.4), dbSNP rs199692977, ClinGen allele CA3164807.
Genomic context (GRCh38, chr4:186,597,074, plus strand): 5'-TCCACGGCGTGGACACATACTGGTTGGGCGCAGCATCCTCGCAGTGACGTCCCCTGTACT[C>T]GTGGCTGCAGTTGCAGTGATAGGAGCCGTGCGTGTTCTCACAGAGGGCCCCGTGCAGGCA-3'
Protein context (NP_005236.2, residues 4146-4166): HGSYHCNCSH[Glu4156Lys]YRGRHCEDAA

ClinVar aggregate classification (germline): Uncertain significance. Review status: criteria provided, multiple submitters, no conflicts (2 of 4 stars). 3 submissions from 3 submitters: Uncertain significance (3). Last evaluated 2026-05-05.

Conditions:
FAT1-related disorder. Also called: FAT1-related condition.
Inborn genetic diseases. Identifiers: MedGen C0950123, MeSH D030342.

Allele frequency attached by ClinVar (database versions not stated): gnomAD 0.00013; ESP Exome Variant Server 0.00040.
gnomAD v4.1: 61 of 1,613,908 alleles (0.0038%); highest among the groups gnomAD compares: African/African-American, 0.04%; no homozygotes.

Submissions (3):

PreventionGenetics, part of Exact Sciences
Classification: Uncertain significance for FAT1-related condition. Last evaluated: 2026-05-05. Review status: criteria provided, single submitter. Criteria: ACMG Guidelines, 2015. Collection method: clinical testing. Allele origin: germline.
Comment: The FAT1 c.12466G>A variant is predicted to result in the amino acid substitution p.Glu4156Lys. To our knowledge, this variant has not been reported in the literature. This variant is reported in 0.041% of alleles in individuals of African descent in gnomAD. At this time, the clinical significance of this variant is uncertain due to the absence of conclusive functional and genetic evidence.

Ambry Genetics
Classification: Uncertain significance for Inborn genetic diseases. Last evaluated: 2024-06-13. Review status: criteria provided, single submitter. Criteria: Ambry Variant Classification Scheme 2023. Collection method: clinical testing. Allele origin: germline.

Labcorp Genetics (formerly Invitae), Labcorp
Classification: Uncertain significance. Last evaluated: 2022-10-24. Review status: criteria provided, single submitter. Criteria: Invitae Variant Classification Sherloc (09022015). Collection method: clinical testing. Allele origin: germline.
Comment: Algorithms developed to predict the effect of missense changes on protein structure and function (SIFT, PolyPhen-2, Align-GVGD) all suggest that this variant is likely to be tolerated. In summary, the available evidence is currently insufficient to determine the role of this variant in disease. Therefore, it has been classified as a Variant of Uncertain Significance. This variant has not been reported in the literature in individuals affected with FAT1-related conditions. This variant is present in population databases (rs199692977, gnomAD 0.05%). This sequence change replaces glutamic acid, which is acidic and polar, with lysine, which is basic and polar, at codon 4156 of the FAT1 protein (p.Glu4156Lys).